The following is an entry in ClinVar:

NM_001041.4(SI):c.5367T>C (p.Tyr1789=)

Gene: SI (sucrase-isomaltase; minus strand). Cytogenetic location: 3q26.1.
Variant type: single nucleotide variant.
Coding change: c.5367T>C on transcript NM_001041.4 (MANE Select); coding-DNA position 5367, T replaced by C.
Protein change: p.Tyr1789=; no amino-acid change (tyrosine 1789 retained).
Molecular consequence: synonymous variant.
Genome position (GRCh38, 1-based): chr3:164,982,291, A>G on the plus strand (T>C on the coding strand, the complement: SI is on the minus strand). VCF-style: chr3-164982291-A-G. GRCh37 (hg19) VCF-style: chr3-164700079-A-G.
Identifiers: ClinVar variation 344000 (VCV000344000.16), dbSNP rs144206255, ClinGen allele CA2689543.
Genomic context (GRCh38, chr3:164,982,291, plus strand): 5'-TACATTACTTACCATGTTGGTAGTGTCTTCATTAAAAGGAAGCGAATTTTTATTTCCGTT[A>G]TACGTTAGAGTAACTGCATTGACAGGAGTAGTTCCTTTCCCCCATACATGAAGGGATCCA-3'
Protein context (NP_001032.2, residues 1779-1799): TTPVNAVTLT[Tyr1789=]NGNKNSLPFN

ClinVar aggregate classification (germline): Conflicting classifications of pathogenicity. Review status: criteria provided, conflicting classifications (1 of 4 stars). 4 submissions from 4 submitters: Uncertain significance (1); Likely benign (2). 1 of the submissions does not count toward it. Last evaluated 2025-11-11.

Conditions:
Sucrase-isomaltase deficiency (CSID). Also called: Congenital sucrose isomaltose malabsorption; Sucrose isomaltose enzyme deficiency; SI DEFICIENCY; Deficiency of isomaltase. Identifiers: Orphanet 35122, MedGen C1283620, MONDO:0009114, OMIM 222900.
SI-related disorder. Also called: SI-related condition.

Allele frequency attached by ClinVar (database versions not stated): gnomAD 0.00026 and 0.00029; TOPMed 0.00029; gnomAD exomes 0.00030 and 0.00042; ExAC 0.00035; ESP Exome Variant Server 0.00069.
gnomAD v4.1: 656 of 1,613,054 alleles (0.041%); highest among the groups gnomAD compares: Non-Finnish European, 0.053%; 1 homozygote.

Submissions (4):

Labcorp Genetics (formerly Invitae), Labcorp
Classification: Likely benign. Last evaluated: 2025-11-11. Review status: criteria provided, single submitter. Criteria: Invitae Variant Classification Sherloc (09022015). Collection method: clinical testing. Allele origin: germline.

Blueprint Genetics
Classification: Likely benign. Last evaluated: 2024-10-31. Review status: criteria provided, single submitter. Criteria: ACMG Guidelines, 2015. Collection method: clinical testing. Allele origin: germline.

Illumina Laboratory Services, Illumina
Classification: Uncertain significance for Sucrase-isomaltase deficiency. Last evaluated: 2018-01-13. Review status: criteria provided, single submitter. Criteria: ICSL Variant Classification Criteria 13 December 2019. Collection method: clinical testing. Allele origin: germline.

PreventionGenetics, part of Exact Sciences
Classification: Likely benign for SI-related condition. Last evaluated: 2023-11-02. Review status: no assertion criteria provided. Collection method: clinical testing. Allele origin: germline. Not counted in ClinVar's aggregate classification.
Comment: This variant is classified as likely benign based on ACMG/AMP sequence variant interpretation guidelines (Richards et al. 2015 PMID: 25741868, with internal and published modifications).